The following is an entry in ClinVar:

ClinVar aggregate classification (germline): Uncertain significance (1 of 4 stars; one submission).

Conditions:
Pheochromocytoma. Also called: MAX-Related Hereditary Paraganglioma-Pheochromocytoma Syndrome. Identifiers: Orphanet 29072, MedGen C0031511, MONDO:0008233, OMIM 171300, HP:0002666.

Allele frequency attached by ClinVar (database versions not stated): gnomAD 0.00002; gnomAD exomes 0.00002; ExAC 0.00003; TOPMed 0.00003.
gnomAD v4.1: 36 of 1,614,020 alleles (0.0022%); highest among the groups gnomAD compares: Non-Finnish European, 0.0027%; no homozygotes.

Submission:

St. Jude Molecular Pathology, St. Jude Children's Research Hospital
Classification: Uncertain significance for Pheochromocytoma. Last evaluated: 2022-07-11. Review status: criteria provided, single submitter. Criteria: St. Jude Assertion Criteria 2020. Collection method: clinical testing. Allele origin: germline.
Comment: The KIF1B c.2073C>G (p.Ser691Arg) missense change has a maximum subpopulation frequency of 0.0062% in gnomAD v2.1.1. This variant occurs in a gene where missense variants are more likely to be damaging based on methods described by Lek et al. (PP2; PMID: 27535533). The in silico tool REVEL predicts a benign effect on protein function, but to our knowledge this prediction has not been confirmed by functional studies. To our knowledge, this variant has not been reported in individuals with pheochromocytoma or neuroblastoma. In summary, the evidence currently available is insufficient to determine the clinical significance of this variant. It has therefore been classified as of uncertain significance.

NM_001365951.3(KIF1B):c.2115+6012C>G

Gene: KIF1B (kinesin family member 1B; plus strand). Cytogenetic location: 1p36.22.
Variant type: single nucleotide variant.
Coding change: c.2115+6012C>G on transcript NM_001365951.3 (MANE Select); 6012 bases into the intron after coding-DNA position 2115, C replaced by G.
Molecular consequence: intron variant. On other transcripts: missense variant (2).
Genome position (GRCh38, 1-based): chr1:10,303,258, C>G. VCF-style: chr1-10303258-C-G. GRCh37 (hg19) VCF-style: chr1-10363316-C-G.
Other names: c.2073C>G, p.Ser691Arg (NM_001365953.1, NM_183416.4); c.1977+6012C>G (NM_015074.3); c.2115+6012C>G (NM_001365952.1); short protein forms S691R.
Identifiers: ClinVar variation 1710958 (VCV001710958.1), dbSNP rs201059439, ClinGen allele CA581184.